The following is an entry in ClinVar:

NM_000540.3(RYR1):c.11921G>A (p.Gly3974Glu)

Gene: RYR1 (ryanodine receptor 1; plus strand). Cytogenetic location: 19q13.2.
Variant type: single nucleotide variant.
Coding change: c.11921G>A on transcript NM_000540.3 (MANE Select); coding-DNA position 11921, G replaced by A.
Protein change: p.Gly3974Glu; replaces glycine 3974 with glutamic acid.
Molecular consequence: missense variant.
Genome position (GRCh38, 1-based): chr19:38,543,784, G>A. VCF-style: chr19-38543784-G-A. GRCh37 (hg19) VCF-style: chr19-39034424-G-A.
Other names: c.11906G>A, p.Gly3969Glu (NM_001042723.2); short protein forms G3969E, G3974E.
Identifiers: ClinVar variation 3071505 (VCV003071505.1), dbSNP rs1972307858, ClinGen allele CA405662737.
Genomic context (GRCh38, chr19:38,543,784, plus strand): 5'-CCTTCTCGGGGATTCCCTTCCCCCCCACACGGCACTCTGCCTCCCAGGGTCCCTGCACCG[G>A]GAACCAGCAGAGCCTGGCGCACAGTCGCCTATGGGACGCAGTGGTGGGATTCCTGCACGT-3'
Protein context (NP_000531.2, residues 3964-3984): LTEYIQGPCT[Gly3974Glu]NQQSLAHSRL

ClinVar aggregate classification (germline): Uncertain significance (1 of 4 stars; one submission).

Conditions:
Malignant hyperthermia, susceptibility to, 1 (MHS1). Also called: Anesthesia related hyperthermia; Malignant hyperpyrexia; Fulminating hyperpyrexia; Pharmacogenic myopathy; RYR1-Related Malignant Hyperthermia Susceptibility; Malignant hyperthermia suceptibility 1. Identifiers: Orphanet 423, MedGen C2930980, MONDO:0007783, OMIM 145600.

Submission:

All of Us Research Program, National Institutes of Health
Classification: Uncertain significance for Malignant hyperthermia, susceptibility to, 1. Last evaluated: 2023-12-13. Review status: criteria provided, single submitter. Criteria: ACMG Guidelines, 2015. Collection method: clinical testing. Allele origin: germline. Inheritance: Autosomal dominant inheritance. Observed: 2 variant alleles, 2 heterozygotes.
Comment: This missense variant replaces glycine with glutamic acid at codon 3974 of the RYR1 protein. Computational prediction suggests that this variant may have deleterious impact on protein structure and function (internally defined REVEL score threshold >= 0.7, PMID: 27666373). To our knowledge, functional studies have not been reported for this variant. This variant has not been reported in individuals affected with RYR1-related disorders in the literature. This variant has not been identified in the general population by the Genome Aggregation Database (gnomAD). The available evidence is insufficient to determine the role of this variant in disease conclusively. Therefore, this variant is classified as a Variant of Uncertain Significance.

This study involves interpretation of variants in research participants for the purpose of population health screening. Participant phenotype was not available at the time of variant classification. Additional details can be found in publication PMID: 35346344, PMCID: PMC8962531